The following is an entry in ClinVar:

NM_002778.4(PSAP):c.204C>T (p.Asp68=)

Gene: PSAP (prosaposin; minus strand). Cytogenetic location: 10q22.1.
Variant type: single nucleotide variant.
Coding change: c.204C>T on transcript NM_002778.4 (MANE Select); coding-DNA position 204, C replaced by T.
Protein change: p.Asp68=; no amino-acid change (aspartic acid 68 retained).
Molecular consequence: synonymous variant.
Genome position (GRCh38, 1-based): chr10:71,831,891, G>A on the plus strand (C>T on the coding strand, the complement: PSAP is on the minus strand). VCF-style: chr10-71831891-G-A. GRCh37 (hg19) VCF-style: chr10-73591648-G-A.
Other names: p.Asp68=; c.204C>T, p.Asp68= (NM_001042465.3, NM_001042466.3).
Identifiers: ClinVar variation 300530 (VCV000300530.51), dbSNP rs143981174, ClinGen allele CA5547849.

ClinVar aggregate classification (germline): Benign/Likely benign. Review status: criteria provided, multiple submitters, no conflicts (2 of 4 stars). 11 submissions from 8 submitters: Benign (3); Likely benign (6). 2 of the submissions do not count toward it. Last evaluated 2026-08-01.

Conditions:
PSAP-related disorder. Also called: PSAP-related condition.
Krabbe disease due to saposin A deficiency. Also called: KRABBE DISEASE, ATYPICAL, DUE TO SAPOSIN A DEFICIENCY; Saposin A Deficiency. Identifiers: Orphanet 487, MedGen C2673266, MONDO:0012720, OMIM 611722.
Gaucher disease due to saposin C deficiency. Also called: Atypical Gaucher disease due to saposin C deficiency; Saposin C Deficiency. Identifiers: Orphanet 309252, Orphanet 355, MedGen C1864651, MONDO:0012517, OMIM 610539.
Combined PSAP deficiency (PSAPD). Also called: Encephalopathy due to prosaposin deficiency; COMBINED SAP DEFICIENCY; PROSAPOSIN DEFICIENCY. Identifiers: Orphanet 139406, MedGen C2673635, MONDO:0012719, OMIM 611721.
Sphingolipid activator protein 1 deficiency. Also called: Metachromatic leukodystrophy due to saposin B deficiency; METACHROMATIC LEUKODYSTROPHY DUE TO CEREBROSIDE SULFATASE ACTIVATOR DEFICIENCY; Saposin B Deficiency. Identifiers: Orphanet 512, MedGen C0268262, MONDO:0009590, OMIM 249900.
Metachromatic leukodystrophy (MLD). Also called: Cerebral sclerosis diffuse metachromatic form; ARSA DEFICIENCY; CEREBROSIDE SULFATASE DEFICIENCY; METACHROMATIC LEUKOENCEPHALOPATHY; SULFATIDE LIPIDOSIS; Arylsulfatase A Deficiency. Identifiers: Orphanet 512, MedGen C0023522, MONDO:0018868, OMIM 250100.

Allele frequency attached by ClinVar (database versions not stated): 1000 Genomes Project 30x 0.00172; 1000 Genomes Project 0.00200; TOPMed 0.00468; gnomAD 0.00477 and 0.00484; gnomAD exomes 0.00497 and 0.00835; ExAC 0.00515; ESP Exome Variant Server 0.00615.
gnomAD v4.1: 12,883 of 1,613,964 alleles (0.8%); highest among the groups gnomAD compares: Non-Finnish European, 0.96%; 58 homozygotes.

Submissions (11):

CeGaT Center for Human Genetics Tuebingen
Classification: Likely benign. Last evaluated: 2026-08-01. Review status: criteria provided, single submitter. Criteria: CeGaT Center For Human Genetics Tuebingen Variant Classification Criteria Version 2. Collection method: clinical testing. Allele origin: germline. Affected: yes. Observed: 39 variant alleles.
Comment: PSAP: BP4, BP7, BS2

Labcorp Genetics (formerly Invitae), Labcorp
Classification: Benign for Sphingolipid activator protein 1 deficiency. Last evaluated: 2026-02-03. Review status: criteria provided, single submitter. Criteria: Invitae Variant Classification Sherloc (09022015). Collection method: clinical testing. Allele origin: germline.

Mayo Clinic Laboratories, Mayo Clinic
Classification: Benign. Last evaluated: 2025-01-31. Review status: criteria provided, single submitter. Criteria: ACMG Guidelines, 2015. Collection method: clinical testing. Allele origin: germline. Observed: 22 variant alleles.
Comment: BA1, BP4, BP7

Blueprint Genetics
Classification: Likely benign. Last evaluated: 2024-11-27. Review status: criteria provided, single submitter. Criteria: ACMG Guidelines, 2015. Collection method: clinical testing. Allele origin: germline.

Illumina Laboratory Services, Illumina
Classification: Likely benign for Sphingolipid activator protein 1 deficiency. Last evaluated: 2018-01-13. Review status: criteria provided, single submitter. Criteria: ICSL Variant Classification Criteria 13 December 2019. Collection method: clinical testing. Allele origin: germline.
Comment: This variant was observed in the ICSL laboratory as part of a predisposition screen in an ostensibly healthy population. It had not been previously curated by ICSL or reported in the Human Gene Mutation Database (HGMD: prior to June 1st, 2018), and was therefore a candidate for classification through an automated scoring system. Utilizing variant allele frequency, disease prevalence and penetrance estimates, and inheritance mode, an automated score was calculated to assess if this variant is too frequent to cause the disease. Based on the score and internal cut-off values, a variant classified as likely benign is not then subjected to further curation. The score for this variant resulted in a classification of likely benign for this disease.

Illumina Laboratory Services, Illumina
Classification: Benign for Gaucher disease due to saposin C deficiency. Last evaluated: 2018-01-13. Review status: criteria provided, single submitter. Criteria: ICSL Variant Classification Criteria 13 December 2019. Collection method: clinical testing. Allele origin: germline.
Comment: This variant was observed in the ICSL laboratory as part of a predisposition screen in an ostensibly healthy population. It had not been previously curated by ICSL or reported in the Human Gene Mutation Database (HGMD: prior to June 1st, 2018), and was therefore a candidate for classification through an automated scoring system. Utilizing variant allele frequency, disease prevalence and penetrance estimates, and inheritance mode, an automated score was calculated to assess if this variant is too frequent to cause the disease. Based on the score and internal cut-off values, a variant classified as benign is not then subjected to further curation. The score for this variant resulted in a classification of benign for this disease.

Illumina Laboratory Services, Illumina
Classification: Likely benign for Combined PSAP deficiency. Last evaluated: 2018-01-13. Review status: criteria provided, single submitter. Criteria: ICSL Variant Classification Criteria 13 December 2019. Collection method: clinical testing. Allele origin: germline.
Comment: the same text as in the submission from Illumina Laboratory Services, Illumina above.

Illumina Laboratory Services, Illumina
Classification: Likely benign for Krabbe disease due to saposin A deficiency. Last evaluated: 2018-01-13. Review status: criteria provided, single submitter. Criteria: ICSL Variant Classification Criteria 13 December 2019. Collection method: clinical testing. Allele origin: germline.
Comment: the same text as in the submission from Illumina Laboratory Services, Illumina above.

Breakthrough Genomics
Classification: Likely benign. Review status: criteria provided, single submitter. Criteria: ACMG Guidelines, 2015. Collection method: not provided. Allele origin: germline. Inheritance: Autosomal recessive inheritance. Affected: yes.

Natera, Inc.
Classification: Benign for Metachromatic leukodystrophy. Last evaluated: 2020-09-16. Review status: no assertion criteria provided. Collection method: clinical testing. Allele origin: germline. Not counted in ClinVar's aggregate classification.

PreventionGenetics, part of Exact Sciences
Classification: Benign for PSAP-related condition. Last evaluated: 2019-06-04. Review status: no assertion criteria provided. Collection method: clinical testing. Allele origin: germline. Not counted in ClinVar's aggregate classification.
Comment: This variant is classified as benign based on ACMG/AMP sequence variant interpretation guidelines (Richards et al. 2015 PMID: 25741868, with internal and published modifications).

Literature cited by the submitters: PubMed 30037697 (cited by Mayo Clinic Laboratories, Mayo Clinic).